The following is an entry in ClinVar:

ClinVar aggregate classification (germline): Likely benign (1 of 4 stars; one submission).

Allele frequency attached by ClinVar (database versions not stated): ExAC 0.00002; gnomAD 0.00005; ESP Exome Variant Server 0.00008.
gnomAD v4.1: 44 of 1,614,200 alleles (0.0027%); highest among the groups gnomAD compares: Middle Eastern, 0.033%; no homozygotes.

Submission:

CeGaT Center for Human Genetics Tuebingen
Classification: Likely benign. Last evaluated: 2022-10-01. Review status: criteria provided, single submitter. Criteria: CeGaT Center For Human Genetics Tuebingen Variant Classification Criteria Version 2. Collection method: clinical testing. Allele origin: germline. Affected: yes. Observed: 1 variant allele.
Comment: HTR3A: BP4, BP7

NM_000869.6(HTR3A):c.1029G>C (p.Leu343=)

Gene: HTR3A (5-hydroxytryptamine receptor 3A; plus strand). Cytogenetic location: 11q23.2.
Variant type: single nucleotide variant.
Coding change: c.1029G>C on transcript NM_000869.6 (MANE Select); coding-DNA position 1029, G replaced by C.
Protein change: p.Leu343=; no amino-acid change (leucine 343 retained).
Molecular consequence: synonymous variant. On other transcripts: non-coding transcript variant (1).
Genome position (GRCh38, 1-based): chr11:113,986,937, G>C. VCF-style: chr11-113986937-G-C. GRCh37 (hg19) VCF-style: chr11-113857659-G-C.
Other names: c.984G>C, p.Leu328= (NM_001161772.3); c.1125G>C, p.Leu375= (NM_213621.4).
Identifiers: ClinVar variation 2642384 (VCV002642384.24), dbSNP rs368078447, ClinGen allele CA6284780.
Genomic context (GRCh38, chr11:113,986,937, plus strand): 5'-CATCTTCATTGTGCGGCTGGTGCACAAGCAAGACCTGCAGCAGCCCGTGCCTGCTTGGCT[G>C]CGTCACCTGGTTCTGGAGAGAATCGCCTGGCTACTTTGCCTGAGGGAGCAGTCAACTTCC-3'
Protein context (NP_000860.3, residues 333-353): QDLQQPVPAW[Leu343=]RHLVLERIAW